The following is an entry in ClinVar:

ClinVar aggregate classification (germline): Uncertain significance (1 of 4 stars; one submission).

gnomAD v4.1: 2 of 1,614,184 alleles (0.00012%); highest among the groups gnomAD compares: Non-Finnish European, 0.00017%; no homozygotes.

Submission:

Labcorp Genetics (formerly Invitae), Labcorp
Classification: Uncertain significance. Last evaluated: 2024-08-31. Review status: criteria provided, single submitter. Criteria: Invitae Variant Classification Sherloc (09022015). Collection method: clinical testing. Allele origin: germline.
Comment: This sequence change replaces lysine, which is basic and polar, with arginine, which is basic and polar, at codon 175 of the KIF20A protein (p.Lys175Arg). This variant is present in population databases (no rsID available, gnomAD 0.0009%). This variant has not been reported in the literature in individuals affected with KIF20A-related conditions. An algorithm developed to predict the effect of missense changes on protein structure and function outputs the following: PolyPhen-2: "Benign". The arginine amino acid residue is found in multiple mammalian species, which suggests that this missense change does not adversely affect protein function. In summary, the available evidence is currently insufficient to determine the role of this variant in disease. Therefore, it has been classified as a Variant of Uncertain Significance.

NM_005733.3(KIF20A):c.524A>G (p.Lys175Arg)

Gene: KIF20A (kinesin family member 20A; plus strand). Cytogenetic location: 5q31.2.
Variant type: single nucleotide variant.
Coding change: c.524A>G on transcript NM_005733.3 (MANE Select); coding-DNA position 524, A replaced by G.
Protein change: p.Lys175Arg; replaces lysine 175 with arginine.
Molecular consequence: missense variant.
Genome position (GRCh38, 1-based): chr5:138,182,595, A>G. VCF-style: chr5-138182595-A-G. GRCh37 (hg19) VCF-style: chr5-137518284-A-G.
Other names: short protein forms K175R.
Identifiers: ClinVar variation 3662852 (VCV003662852.2).